The following is an entry in ClinVar:

ClinVar aggregate classification (germline): Uncertain significance (1 of 4 stars; one submission).

Submission:

GeneDx
Classification: Uncertain significance. Last evaluated: 2024-06-25. Review status: criteria provided, single submitter. Criteria: GeneDx Variant Classification Process June 2021. Collection method: clinical testing. Allele origin: germline. Affected: yes.
Comment: Not observed at significant frequency in large population cohorts (gnomAD); In silico analysis indicates that this missense variant does not alter protein structure/function; Has not been previously published as pathogenic or benign to our knowledge

NM_001270.4(CHD1):c.4595A>G (p.Glu1532Gly)

Gene: CHD1 (chromodomain helicase DNA binding protein 1; minus strand). Cytogenetic location: 5q15.
Variant type: single nucleotide variant.
Coding change: c.4595A>G on transcript NM_001270.4 (MANE Select); coding-DNA position 4595, A replaced by G.
Protein change: p.Glu1532Gly; replaces glutamic acid 1532 with glycine.
Molecular consequence: missense variant. On other transcripts: non-coding transcript variant (2).
Genome position (GRCh38, 1-based): chr5:98,858,372, T>C on the plus strand (A>G on the coding strand, the complement: CHD1 is on the minus strand). VCF-style: chr5-98858372-T-C. GRCh37 (hg19) VCF-style: chr5-98194076-T-C.
Other names: c.4859A>G, p.Glu1620Gly (NM_001364113.3); c.4595A>G, p.Glu1532Gly (NM_001376194.2); short protein forms E1532G, E1620G.
Identifiers: ClinVar variation 3392623 (VCV003392623.1).